The following is an entry in ClinVar:

ClinVar aggregate classification (germline): Conflicting classifications of pathogenicity. Review status: criteria provided, conflicting classifications (1 of 4 stars). 3 submissions from 3 submitters: Uncertain significance (2); Likely benign (1). Last evaluated 2025-07-08.

Conditions:
Dilated cardiomyopathy 1DD (CMD1DD). Identifiers: Orphanet 154, MedGen C2750995, MONDO:0013168, OMIM 613172.

Allele frequency attached by ClinVar (database versions not stated): gnomAD 0.00001; gnomAD exomes 0.00001; TOPMed 0.00001; ExAC 0.00005.

Submissions (3):

Labcorp Genetics (formerly Invitae), Labcorp
Classification: Likely benign for Dilated cardiomyopathy 1DD. Last evaluated: 2025-07-08. Review status: criteria provided, single submitter. Criteria: Invitae Variant Classification Sherloc (09022015). Collection method: clinical testing. Allele origin: germline.

Blueprint Genetics
Classification: Uncertain significance. Last evaluated: 2022-12-15. Review status: criteria provided, single submitter. Criteria: ACMG Guidelines, 2015. Collection method: clinical testing. Allele origin: germline.

Laboratory for Molecular Medicine, Mass General Brigham Personalized Medicine
Classification: Uncertain significance. Last evaluated: 2012-02-17. Review status: criteria provided, single submitter. Criteria: LMM Criteria. Collection method: clinical testing. Allele origin: germline. Observed: 1 variant allele.
Comment: Variant classified as Uncertain Significance - Favor Benign. The Arg1008Trp vari ant (RBM20) has not been reported in the literature nor previously identified by our laboratory. Arginine (Arg) at position 1008 is not conserved in mammals and computational analyses (AlignGVGD and PolyPhen2) suggest that a change to trypt ophan (Trp) may impact the protein, though this information is not predictive en ough to rule out pathogenicity. While the lack of conservation in mammals sugges ts that the Arg1008Trp variant may be benign, additional information is needed t o fully assess its clinical significance.

NM_001134363.3(RBM20):c.3022C>T (p.Arg1008Trp)

Gene: RBM20 (RNA binding motif protein 20; plus strand). Cytogenetic location: 10q25.2.
Variant type: single nucleotide variant.
Coding change: c.3022C>T on transcript NM_001134363.3 (MANE Select); coding-DNA position 3022, C replaced by T.
Protein change: p.Arg1008Trp; replaces arginine 1008 with tryptophan.
Molecular consequence: missense variant.
Genome position (GRCh38, 1-based): chr10:110,821,641, C>T. VCF-style: chr10-110821641-C-T. GRCh37 (hg19) VCF-style: chr10-112581399-C-T.
Other names: short protein forms R1008W.
Identifiers: ClinVar variation 44001 (VCV000044001.15), dbSNP rs397516610, ClinGen allele CA133347.
Genomic context (GRCh38, chr10:110,821,641, plus strand): 5'-TCCACAAGCTGTCCCAGTGACATGGACGTGGAAATGCCTGGCCTAAATCTGGATGCTGAG[C>T]GGAAGCCAGCTGAAAGTGAGACAGGCCTCTCCCTGGAGGATTCAGATTGCTACGAGAAGG-3'
Protein context (NP_001127835.2, residues 998-1018): EMPGLNLDAE[Arg1008Trp]KPAESETGLS